The following is an entry in ClinVar:

NM_003640.5(ELP1):c.2015-2A>G

Gene: ELP1 (elongator acetyltransferase complex subunit 1; minus strand). Cytogenetic location: 9q31.3.
Variant type: single nucleotide variant.
Coding change: c.2015-2A>G on transcript NM_003640.5 (MANE Select); the canonical splice acceptor site of the intron before coding-DNA position 2015, A replaced by G.
Molecular consequence: splice acceptor variant.
Genome position (GRCh38, 1-based): chr9:108,900,377, T>C on the plus strand (A>G on the coding strand, the complement: ELP1 is on the minus strand). VCF-style: chr9-108900377-T-C. GRCh37 (hg19) VCF-style: chr9-111662657-T-C.
Other names: c.1673-2A>G (NM_001318360.2); c.968-2A>G (NM_001330749.2); c.2015-2A>G (NM_003640.4).
Identifiers: ClinVar variation 943329 (VCV000943329.10), dbSNP rs1828729991, ClinGen allele CA374423584.

ClinVar aggregate classification (germline): Likely pathogenic. Review status: criteria provided, multiple submitters, no conflicts (2 of 4 stars). 2 submissions from 2 submitters: Likely pathogenic (2). Last evaluated 2025-01-06.

Conditions:
Familial dysautonomia. Also called: FD; HSAN III. Identifiers: Orphanet 1764, MedGen C0013364, MONDO:0009131, OMIM 223900. Disease mechanism: loss of function.

Submissions (2):

Natera, Inc.
Classification: Likely pathogenic for Familial dysautonomia. Last evaluated: 2025-01-06. Review status: criteria provided, single submitter. Criteria: Natera Variant Classification Schema (03/2026). Collection method: clinical testing. Allele origin: germline.
Comment: The c.2015-2A>G variant in ELP1 is a canonical splice acceptor site variant predicted to affect pre-mRNA splicing, which may result in an abnormal transcript and altered protein product. This variant is expected to result in nonsense mediated decay, truncation, or a dysfunctional protein product. This variant is rare in the general population with a frequency below the threshold expected for the associated phenotype(s). Given the available evidence, this variant is classified as Likely Pathogenic.

Labcorp Genetics (formerly Invitae), Labcorp
Classification: Likely pathogenic. Last evaluated: 2024-01-24. Review status: criteria provided, single submitter. Criteria: Invitae Variant Classification Sherloc (09022015). Collection method: clinical testing. Allele origin: germline.
Comment: This sequence change affects an acceptor splice site in intron 18 of the ELP1 gene. It is expected to disrupt RNA splicing. Variants that disrupt the donor or acceptor splice site typically lead to a loss of protein function (PMID: 16199547), and loss-of-function variants in ELP1 are known to be pathogenic (PMID: 18303054, 24173031). This variant is not present in population databases (gnomAD no frequency). This variant has not been reported in the literature in individuals affected with ELP1-related conditions. ClinVar contains an entry for this variant (Variation ID: 943329). Algorithms developed to predict the effect of sequence changes on RNA splicing suggest that this variant may disrupt the consensus splice site. In summary, the currently available evidence indicates that the variant is pathogenic, but additional data are needed to prove that conclusively. Therefore, this variant has been classified as Likely Pathogenic.

Literature cited by the submitters: PubMed 16199547 (cited by Labcorp Genetics (formerly Invitae), Labcorp); PubMed 18303054 (cited by Labcorp Genetics (formerly Invitae), Labcorp); PubMed 24173031 (cited by Labcorp Genetics (formerly Invitae), Labcorp).